The following is an entry in ClinVar:

ClinVar aggregate classification (germline): Uncertain significance (1 of 4 stars; one submission).

Conditions:
Amyotrophic lateral sclerosis type 1 (ALS1). Also called: AMYOTROPHIC LATERAL SCLEROSIS 1, FAMILIAL. Identifiers: Orphanet 803, MedGen C1862939, MONDO:0007103, OMIM 105400.
Neuronopathy, distal hereditary motor, type 7B. Also called: HMN VIIB; LOWER MOTOR NEURON DISEASE, DYNACTIN TYPE; NEURONOPATHY, DISTAL HEREDITARY MOTOR, AUTOSOMAL DOMINANT 14; NEURONOPATHY, DISTAL HEREDITARY MOTOR, HARDING TYPE VIIB; NEUROPATHY, DISTAL HEREDITARY MOTOR, HARDING TYPE VIIB; NEUROPATHY, DISTAL HEREDITARY MOTOR, WITH VOCAL CORD PARALYSIS, HARDING TYPE VIIB. Identifiers: Orphanet 139589, MedGen C1843315, MONDO:0011879, OMIM 607641.
Perry syndrome. Also called: PARKINSONISM WITH ALVEOLAR HYPOVENTILATION AND MENTAL DEPRESSION. Identifiers: Orphanet 178509, MedGen C1868594, MONDO:0008201, OMIM 168605.

Submission:

Labcorp Genetics (formerly Invitae), Labcorp
Classification: Uncertain significance for Amyotrophic lateral sclerosis type 1; Neuronopathy, distal hereditary motor, type 7B; Perry syndrome. Last evaluated: 2025-02-16. Review status: criteria provided, single submitter. Criteria: Invitae Variant Classification Sherloc (09022015). Collection method: clinical testing. Allele origin: germline.
Comment: This sequence change replaces glycine, which is neutral and non-polar, with serine, which is neutral and polar, at codon 942 of the DCTN1 protein (p.Gly942Ser). This variant is not present in population databases (gnomAD no frequency). This variant has not been reported in the literature in individuals affected with DCTN1-related conditions. Invitae Evidence Modeling of protein sequence and biophysical properties (such as structural, functional, and spatial information, amino acid conservation, physicochemical variation, residue mobility, and thermodynamic stability) indicates that this missense variant is not expected to disrupt DCTN1 protein function with a negative predictive value of 95%. In summary, the available evidence is currently insufficient to determine the role of this variant in disease. Therefore, it has been classified as a Variant of Uncertain Significance.

NM_004082.5(DCTN1):c.2824G>A (p.Gly942Ser)

Gene: DCTN1 (dynactin subunit 1; minus strand). Cytogenetic location: 2p13.1.
Variant type: single nucleotide variant.
Coding change: c.2824G>A on transcript NM_004082.5 (MANE Select); coding-DNA position 2824, G replaced by A.
Protein change: p.Gly942Ser; replaces glycine 942 with serine.
Molecular consequence: missense variant. On other transcripts: non-coding transcript variant (1).
Genome position (GRCh38, 1-based): chr2:74,365,955, C>T on the plus strand (G>A on the coding strand, the complement: DCTN1 is on the minus strand). VCF-style: chr2-74365955-C-T. GRCh37 (hg19) VCF-style: chr2-74593082-C-T.
Other names: c.2764G>A, p.Gly922Ser (NM_001135040.3); c.2422G>A, p.Gly808Ser (NM_001135041.3, NM_023019.4); c.2713G>A, p.Gly905Ser (NM_001190836.2); c.2803G>A, p.Gly935Ser (NM_001190837.2); c.2773G>A, p.Gly925Ser (NM_001378991.1); c.2755G>A, p.Gly919Ser (NM_001378992.1); short protein forms G808S, G905S, G919S, G922S, G925S, G935S, G942S.
Identifiers: ClinVar variation 3755554 (VCV003755554.2).